The following is an entry in ClinVar:

NM_006445.4(PRPF8):c.5060A>G (p.Tyr1687Cys)

Gene: PRPF8 (pre-mRNA processing factor 8; minus strand). Cytogenetic location: 17p13.3.
Variant type: single nucleotide variant.
Coding change: c.5060A>G on transcript NM_006445.4 (MANE Select); coding-DNA position 5060, A replaced by G.
Protein change: p.Tyr1687Cys; replaces tyrosine 1687 with cysteine.
Molecular consequence: missense variant.
Genome position (GRCh38, 1-based): chr17:1,659,435, T>C on the plus strand (A>G on the coding strand, the complement: PRPF8 is on the minus strand). VCF-style: chr17-1659435-T-C. GRCh37 (hg19) VCF-style: chr17-1562729-T-C.
Other names: short protein forms Y1687C.
Identifiers: ClinVar variation 3365308 (VCV003365308.1).
Genomic context (GRCh38, chr17:1,659,435, plus strand): 5'-AGGTCAATGGCGATGAGTACACCTGTGGGCGAAGGGTAGATACTCATGTTGTCGGTGGTG[T>C]AGTCCAGGAACTTGGCCCGGGCGTAGCGCTCAATGTCGTGGGAATCATAGTCCCCCCAGC-3'
Protein context (NP_006436.3, residues 1677-1697): ERYARAKFLD[Tyr1687Cys]TTDNMSIYPS

ClinVar aggregate classification (germline): Uncertain significance (1 of 4 stars; one submission).

Submission:

GeneDx
Classification: Uncertain significance. Last evaluated: 2023-12-02. Review status: criteria provided, single submitter. Criteria: GeneDx Variant Classification Process June 2021. Collection method: clinical testing. Allele origin: germline. Affected: yes.
Comment: Not observed at significant frequency in large population cohorts (gnomAD); In silico analysis supports that this missense variant has a deleterious effect on protein structure/function; Within the restriction endonuclease homology domain; Involved in interaction with pre-mRNA 5' splice site; Has not been previously published as pathogenic or benign to our knowledge